The following is an entry in ClinVar:

ClinVar aggregate classification (germline): Uncertain significance (1 of 4 stars; one submission).

Conditions:
COG4-congenital disorder of glycosylation. Also called: CONGENITAL DISORDER OF GLYCOSYLATION, TYPE IIj; CDG IIj; COG4-CDG. Identifiers: Orphanet 263501, MedGen C4303552, MONDO:0013281, OMIM 613489.

Submission:

Labcorp Genetics (formerly Invitae), Labcorp
Classification: Uncertain significance for COG4-congenital disorder of glycosylation. Last evaluated: 2025-07-14. Review status: criteria provided, single submitter. Criteria: Invitae Variant Classification Sherloc (09022015). Collection method: clinical testing. Allele origin: germline.
Comment: This sequence change replaces glycine, which is neutral and non-polar, with alanine, which is neutral and non-polar, at codon 145 of the COG4 protein (p.Gly145Ala). This variant is not present in population databases (gnomAD no frequency). This variant has not been reported in the literature in individuals affected with COG4-related conditions. ClinVar contains an entry for this variant (Variation ID: 3628381). Invitae Evidence Modeling of protein sequence and biophysical properties (such as structural, functional, and spatial information, amino acid conservation, physicochemical variation, residue mobility, and thermodynamic stability) indicates that this missense variant is not expected to disrupt COG4 protein function with a negative predictive value of 80%. In summary, the available evidence is currently insufficient to determine the role of this variant in disease. Therefore, it has been classified as a Variant of Uncertain Significance.

NM_015386.3(COG4):c.434G>C (p.Gly145Ala)

Gene: COG4 (component of oligomeric golgi complex 4; minus strand). Cytogenetic location: 16q22.1.
Variant type: single nucleotide variant.
Coding change: c.434G>C on transcript NM_015386.3 (MANE Select); coding-DNA position 434, G replaced by C.
Protein change: p.Gly145Ala; replaces glycine 145 with alanine.
Molecular consequence: missense variant. On other transcripts: non-coding transcript variant (1).
Genome position (GRCh38, 1-based): chr16:70,514,445, C>G on the plus strand (G>C on the coding strand, the complement: COG4 is on the minus strand). VCF-style: chr16-70514445-C-G. GRCh37 (hg19) VCF-style: chr16-70548348-C-G.
Other names: c.422G>C, p.Gly141Ala (NM_001195139.2); c.8G>C, p.Gly3Ala (NM_001365426.1); short protein forms G141A, G145A, G3A.
Identifiers: ClinVar variation 3628381 (VCV003628381.2).